The following is an entry in ClinVar:

ClinVar aggregate classification (germline): Uncertain significance (1 of 4 stars; one submission).

Conditions:
Focal segmental glomerulosclerosis and neurodevelopmental syndrome. Identifiers: MedGen C5561938, MONDO:0100111, OMIM 619428.

Submission:

Victorian Clinical Genetics Services, Murdoch Childrens Research Institute
Classification: Uncertain significance for Focal segmental glomerulosclerosis and neurodevelopmental syndrome. Last evaluated: 2025-10-28. Review status: criteria provided, single submitter. Criteria: ACMG Guidelines, 2015. Collection method: clinical testing. Allele origin: germline. Affected: yes.
Comment: This variant is classified as VUS-3B. Evidence in support of pathogenic classification: Variant is predicted to result in a loss of the canonical translation initiation codon (ATG); Variant is absent from gnomAD (v2, v3 and v4); Additional information: This variant is heterozygous; This gene is associated with autosomal dominant disease; Alternative nucleotide change(s) at the initiation codon are present in gnomAD (Highest allele count: v4: 1 heterozygote(s), 0 homozygote(s)); Previous evidence of pathogenicity for this variant is inconclusive. A start loss variant, c.1A>G, has been classified as a VUS by a clinical laboratory in ClinVar; No published evidence of segregation with disease has been identified for this variant; No published functional evidence has been identified for this variant; The mechanism of disease for this gene is not clearly established. However, both dominant negative and gain of function have been suggested (PMIDs: 32193649, 33508234, 34930159, 30244534); Variants in this gene are known to have variable expressivity (OMIM).

Literature cited by the submitters: PubMed 30244534; PubMed 33508234; PubMed 34930159; PubMed 32193649.

NM_030912.3(TRIM8):c.2T>C (p.Met1Thr)

Gene: TRIM8 (tripartite motif containing 8; plus strand). Cytogenetic location: 10q24.32.
Variant type: single nucleotide variant.
Coding change: c.2T>C on transcript NM_030912.3 (MANE Select); coding-DNA position 2, T replaced by C.
Protein change: p.Met1Thr; changes the start codon (methionine 1).
Molecular consequence: missense variant, initiator codon variant. On other transcripts: non-coding transcript variant (1).
Genome position (GRCh38, 1-based): chr10:102,644,619, T>C. VCF-style: chr10-102644619-T-C. GRCh37 (hg19) VCF-style: chr10-104404376-T-C.
Other names: c.2T>C, p.Met1Thr (NM_001345950.1); short protein forms M1T.
Identifiers: ClinVar variation 4532005 (VCV004532005.1).
Genomic context (GRCh38, chr10:102,644,619, plus strand): 5'-CGGACCCCCGGGGCTGGGGAGTCGGGGAGGCCTGCCCCGGCCCCCTGCCCGCGGCCGCCA[T>C]GGCGGAGAATTGGAAGAACTGCTTCGAGGAGGAGCTCATCTGCCCTATCTGCCTGCACGT-3'
Protein context (NP_112174.2, residues 1-11): [Met1Thr]AENWKNCFEE